The following is an entry in ClinVar:

ClinVar aggregate classification (germline): Uncertain significance (1 of 4 stars; one submission).

Conditions:
PRPH2-related disorder. Also called: PRPH2-related disorders; PRPH2-related condition. Identifiers: MedGen CN239395.

Submission:

Labcorp Genetics (formerly Invitae), Labcorp
Classification: Uncertain significance for PRPH2-related disorder. Last evaluated: 2025-09-28. Review status: criteria provided, single submitter. Criteria: Invitae Variant Classification Sherloc (09022015). Collection method: clinical testing. Allele origin: germline.
Comment: This sequence change replaces glycine, which is neutral and non-polar, with valine, which is neutral and non-polar, at codon 249 of the PRPH2 protein (p.Gly249Val). This variant is not present in population databases (gnomAD no frequency). This variant has not been reported in the literature in individuals affected with PRPH2-related conditions. Invitae Evidence Modeling of protein sequence and biophysical properties (such as structural, functional, and spatial information, amino acid conservation, physicochemical variation, residue mobility, and thermodynamic stability) indicates that this missense variant is expected to disrupt PRPH2 protein function with a positive predictive value of 95%. In summary, the available evidence is currently insufficient to determine the role of this variant in disease. Therefore, it has been classified as a Variant of Uncertain Significance.

NM_000322.5(PRPH2):c.746G>T (p.Gly249Val)

Gene: PRPH2 (peripherin 2; minus strand). Cytogenetic location: 6p21.1.
Variant type: single nucleotide variant.
Coding change: c.746G>T on transcript NM_000322.5 (MANE Select); coding-DNA position 746, G replaced by T.
Protein change: p.Gly249Val; replaces glycine 249 with valine.
Molecular consequence: missense variant.
Genome position (GRCh38, 1-based): chr6:42,704,447, C>A on the plus strand (G>T on the coding strand, the complement: PRPH2 is on the minus strand). VCF-style: chr6-42704447-C-A. GRCh37 (hg19) VCF-style: chr6-42672185-C-A.
Other names: short protein forms G249V.
Identifiers: ClinVar variation 4801344 (VCV004801344.1).
Genomic context (GRCh38, chr6:42,704,447, plus strand): 5'-GTGACGACACCCATGGAGTTCATGAGGCTGCTGTAGTAGCTCAGCAGGGCAGCCCTGCAG[C>A]CACGCACCCACAGGTTGAGCTCCTCCGTCTGGTGGTCGTAACTGTAGTGTGCTGAGTTGT-3'
Protein context (NP_000313.2, residues 239-259): QTEELNLWVR[Gly249Val]CRAALLSYYS